The following is an entry in ClinVar:

NM_001163435.3(TBCK):c.2138A>G (p.His713Arg)

Gene: TBCK (TBC1 domain containing kinase; minus strand). Cytogenetic location: 4q24.
Variant type: single nucleotide variant.
Coding change: c.2138A>G on transcript NM_001163435.3 (MANE Select); coding-DNA position 2138, A replaced by G.
Protein change: p.His713Arg; replaces histidine 713 with arginine.
Molecular consequence: missense variant.
Genome position (GRCh38, 1-based): chr4:106,171,192, T>C on the plus strand (A>G on the coding strand, the complement: TBCK is on the minus strand). VCF-style: chr4-106171192-T-C. GRCh37 (hg19) VCF-style: chr4-107092349-T-C.
Other names: c.2138A>G (NM_001163435.1); c.2138A>G, p.His713Arg (NM_001163436.4); c.2021A>G, p.His674Arg (NM_001163437.3); c.1622A>G, p.His541Arg (NM_001290768.2); c.1949A>G, p.His650Arg (NM_033115.5); short protein forms H541R, H650R, H713R, H674R.
Identifiers: ClinVar variation 1895592 (VCV001895592.4), dbSNP rs749859244, ClinGen allele CA3034787.

ClinVar aggregate classification (germline): Uncertain significance. Review status: criteria provided, multiple submitters, no conflicts (2 of 4 stars). 2 submissions from 2 submitters: Uncertain significance (2). Last evaluated 2025-08-07.

Conditions:
Inborn genetic diseases. Identifiers: MedGen C0950123, MeSH D030342.

Allele frequency attached by ClinVar (database versions not stated): gnomAD 0.00001; TOPMed 0.00001.
gnomAD v4.1: 27 of 1,612,820 alleles (0.0017%); highest among the groups gnomAD compares: South Asian, 0.022%; no homozygotes.

Submissions (2):

Labcorp Genetics (formerly Invitae), Labcorp
Classification: Uncertain significance. Last evaluated: 2025-08-07. Review status: criteria provided, single submitter. Criteria: Invitae Variant Classification Sherloc (09022015). Collection method: clinical testing. Allele origin: germline.
Comment: This sequence change replaces histidine, which is basic and polar, with arginine, which is basic and polar, at codon 713 of the TBCK protein (p.His713Arg). This variant is present in population databases (rs749859244, gnomAD 0.009%). This variant has not been reported in the literature in individuals affected with TBCK-related conditions. ClinVar contains an entry for this variant (Variation ID: 1895592). Invitae Evidence Modeling of protein sequence and biophysical properties (such as structural, functional, and spatial information, amino acid conservation, physicochemical variation, residue mobility, and thermodynamic stability) indicates that this missense variant is not expected to disrupt TBCK protein function with a negative predictive value of 80%. In summary, the available evidence is currently insufficient to determine the role of this variant in disease. Therefore, it has been classified as a Variant of Uncertain Significance.

Ambry Genetics
Classification: Uncertain significance for Inborn genetic diseases. Last evaluated: 2025-08-06. Review status: criteria provided, single submitter. Criteria: Ambry Variant Classification Scheme 2023. Collection method: clinical testing. Allele origin: germline.